The following is an entry in ClinVar:

NM_005431.2(XRCC2):c.238T>C (p.Phe80Leu)

Gene: XRCC2 (X-ray repair cross complementing 2; minus strand). Cytogenetic location: 7q36.1.
Variant type: single nucleotide variant.
Coding change: c.238T>C on transcript NM_005431.2 (MANE Select); coding-DNA position 238, T replaced by C.
Protein change: p.Phe80Leu; replaces phenylalanine 80 with leucine.
Molecular consequence: missense variant.
Genome position (GRCh38, 1-based): chr7:152,649,247, A>G on the plus strand (T>C on the coding strand, the complement: XRCC2 is on the minus strand). VCF-style: chr7-152649247-A-G. GRCh37 (hg19) VCF-style: chr7-152346332-A-G.
Other names: short protein forms F80L.
Identifiers: ClinVar variation 1692898 (VCV001692898.7), dbSNP rs751980448, ClinGen allele CA4582368.
Genomic context (GRCh38, chr7:152,649,247, plus strand): 5'-GTCTGTGCTCAAGAATTGTAACTAGCCGGAGCATATCAAAGTGGTAATCTGTATCAATAA[A>G]TAAGACTTCTACTTCCAGGCCACCTTCTGATTTGGGAAGTATACATCGTGCTGTTAGGTG-3'
Protein context (NP_005422.1, residues 70-90): SEGGLEVEVL[Phe80Leu]IDTDYHFDML

ClinVar aggregate classification (germline): Uncertain significance. Review status: criteria provided, multiple submitters, no conflicts (2 of 4 stars). 3 submissions from 3 submitters: Uncertain significance (3). Last evaluated 2024-10-23.

Conditions:
Hereditary cancer-predisposing syndrome. Also called: Hereditary neoplastic syndrome; Tumor predisposition; Neoplastic Syndromes, Hereditary; Hereditary Cancer Syndrome. Identifiers: Orphanet 140162, MedGen C0027672, MeSH D009386, MONDO:0015356.

Allele frequency attached by ClinVar (database versions not stated): gnomAD exomes below 0.00001 and 0.00001; gnomAD 0.00001; TOPMed 0.00001; ExAC 0.00002.
gnomAD v4.1: 5 of 1,613,800 alleles (0.00031%); highest among the groups gnomAD compares: South Asian, 0.0011%; no homozygotes.

Submissions (3):

Ambry Genetics
Classification: Uncertain significance for Hereditary cancer-predisposing syndrome. Last evaluated: 2024-10-23. Review status: criteria provided, single submitter. Criteria: Ambry Variant Classification Scheme 2023. Collection method: clinical testing. Allele origin: germline.
Comment: The p.F80L variant (also known as c.238T>C), located in coding exon 3 of the XRCC2 gene, results from a T to C substitution at nucleotide position 238. The phenylalanine at codon 80 is replaced by leucine, an amino acid with highly similar properties. This amino acid position is well conserved in available vertebrate species. In addition, the in silico prediction for this alteration is inconclusive. Since supporting evidence is limited at this time, the clinical significance of this alteration remains unclear.

Labcorp Genetics (formerly Invitae), Labcorp
Classification: Uncertain significance. Last evaluated: 2022-11-14. Review status: criteria provided, single submitter. Criteria: Invitae Variant Classification Sherloc (09022015). Collection method: clinical testing. Allele origin: germline.
Comment: In summary, the available evidence is currently insufficient to determine the role of this variant in disease. Therefore, it has been classified as a Variant of Uncertain Significance. Advanced modeling of protein sequence and biophysical properties (such as structural, functional, and spatial information, amino acid conservation, physicochemical variation, residue mobility, and thermodynamic stability) performed at Invitae indicates that this missense variant is not expected to disrupt XRCC2 protein function. ClinVar contains an entry for this variant (Variation ID: 1692898). This variant has not been reported in the literature in individuals affected with XRCC2-related conditions. This variant is present in population databases (rs751980448, gnomAD 0.01%). This sequence change replaces phenylalanine, which is neutral and non-polar, with leucine, which is neutral and non-polar, at codon 80 of the XRCC2 protein (p.Phe80Leu).

Sema4
Classification: Uncertain significance for Hereditary cancer-predisposing syndrome. Last evaluated: 2021-12-17. Review status: criteria provided, single submitter. Criteria: Sema4 Curation Guidelines. Collection method: curation. Allele origin: germline.
Comment: The XRCC2 c.238T>C (p.F80L) variant has not been reported in individuals with XRCC2-related disease. It has been reported in a large case-control study of breast cancer in 2/60466 cases and not in 53461 controls (PMID: 33471991). It was observed in 3/30612 chromosomes in the South Asian subpopulation in the large and broad cohorts of the Genome Aggregation Database (PMID: 32461654). This variant has not been reported in ClinVar. Functional studies have not been performed, and in silico predictions of the variant's effect on protein function are inconclusive. The evidence is insufficient to meet ACMG/AMP criteria for classifying the variant as benign or pathogenic. Thus, the clinical significance of this variant is currently uncertain.

Literature cited by the submitters: PubMed 33471991 (cited by Sema4).